The following is an entry in ClinVar:

ClinVar aggregate classification (germline): Uncertain significance. Review status: criteria provided, multiple submitters, no conflicts (2 of 4 stars). 3 submissions from 3 submitters: Uncertain significance (2). 1 of the submissions does not count toward it. Last evaluated 2026-08-14.

Conditions:
Meckel syndrome, type 1 (MKS1). Also called: MECKEL-GRUBER SYNDROME, TYPE 1. Identifiers: Orphanet 564, MedGen C3714506, MONDO:0009571, OMIM 249000.
Meckel-Gruber syndrome. Also called: DYSENCEPHALIA SPLANCHNOCYSTICA; GRUBER SYNDROME; Dysencephalia splachnocystica. Identifiers: Orphanet 564, MedGen C0265215, MONDO:0018921.
Joubert syndrome. Also called: Familial aplasia of the vermis; JOUBERT-BOLTSHAUSER SYNDROME. Identifiers: Orphanet 475, MedGen C5979921, MONDO:0018772.
MKS1-related disorder. Also called: MKS1-related disorders; MKS1-related condition. Identifiers: MedGen CN239382.

Allele frequency attached by ClinVar (database versions not stated): TOPMed 0.00004; 1000 Genomes Project 30x 0.00016; 1000 Genomes Project 0.00020.
gnomAD v4.1: 46 of 1,614,108 alleles (0.0028%); highest among the groups gnomAD compares: Middle Eastern, 0.033%; no homozygotes.

Submissions (3):

PreventionGenetics, part of Exact Sciences
Classification: Uncertain significance for MKS1-related condition. Last evaluated: 2026-08-14. Review status: criteria provided, single submitter. Criteria: ACMG Guidelines, 2015. Collection method: clinical testing. Allele origin: germline.
Comment: The MKS1 c.1232G>A variant is predicted to result in the amino acid substitution p.Arg411His. To our knowledge, this variant has not been reported in the literature. This variant is reported in 0.077% of alleles in individuals of Ashkenazi Jewish descent in gnomAD. Although we suspect that this variant may be benign, at this time, the clinical significance of this variant is uncertain due to the absence of conclusive functional and genetic evidence.

Labcorp Genetics (formerly Invitae), Labcorp
Classification: Uncertain significance for Joubert syndrome; Meckel-Gruber syndrome. Last evaluated: 2025-09-02. Review status: criteria provided, single submitter. Criteria: Invitae Variant Classification Sherloc (09022015). Collection method: clinical testing. Allele origin: germline.
Comment: This sequence change replaces arginine, which is basic and polar, with histidine, which is basic and polar, at codon 411 of the MKS1 protein (p.Arg411His). This variant is present in population databases (rs200679238, gnomAD 0.07%). This variant has not been reported in the literature in individuals affected with MKS1-related conditions. ClinVar contains an entry for this variant (Variation ID: 645921). Invitae Evidence Modeling of protein sequence and biophysical properties (such as structural, functional, and spatial information, amino acid conservation, physicochemical variation, residue mobility, and thermodynamic stability) indicates that this missense variant is expected to disrupt MKS1 protein function with a positive predictive value of 80%. In summary, the available evidence is currently insufficient to determine the role of this variant in disease. Therefore, it has been classified as a Variant of Uncertain Significance.

Natera, Inc.
Classification: Uncertain significance for Meckel syndrome type 1. Last evaluated: 2020-01-16. Review status: no assertion criteria provided. Collection method: clinical testing. Allele origin: germline. Not counted in ClinVar's aggregate classification.

NM_017777.4(MKS1):c.1232G>A (p.Arg411His)

Gene: MKS1 (MKS transition zone complex subunit 1; minus strand). Cytogenetic location: 17q22.
Variant type: single nucleotide variant.
Coding change: c.1232G>A on transcript NM_017777.4 (MANE Select); coding-DNA position 1232, G replaced by A.
Protein change: p.Arg411His; replaces arginine 411 with histidine.
Molecular consequence: missense variant.
Genome position (GRCh38, 1-based): chr17:58,207,935, C>T on the plus strand (G>A on the coding strand, the complement: MKS1 is on the minus strand). VCF-style: chr17-58207935-C-T. GRCh37 (hg19) VCF-style: chr17-56285296-C-T.
Other names: c.623G>A, p.Arg208His (NM_001321268.2); c.1232G>A, p.Arg411His (NM_001321269.2, NM_001330397.2); short protein forms R208H, R411H.
Identifiers: ClinVar variation 645921 (VCV000645921.9), dbSNP rs200679238, ClinGen allele CA8669225.